The following is an entry in ClinVar:

ClinVar aggregate classification (germline): Benign/Likely benign. Review status: criteria provided, multiple submitters, no conflicts (2 of 4 stars). 12 submissions from 12 submitters: Benign (7); Likely benign (4). 1 of the submissions does not count toward it. Last evaluated 2026-07-01.

Conditions:
Nemaline myopathy 2 (NEM2). Also called: Nemaline myopathy 2, autosomal recessive. Identifiers: MedGen C1850569, MONDO:0009725, OMIM 256030.

Allele frequency attached by ClinVar (database versions not stated): 1000 Genomes Project 0.00359; 1000 Genomes Project 30x 0.00375; TOPMed 0.00677; ESP Exome Variant Server 0.00861; gnomAD exomes 0.00892; gnomAD 0.00899 and 0.00935; ExAC 0.00908.
gnomAD v4.1: 17,045 of 1,613,300 alleles (1.1%); highest among the groups gnomAD compares: Non-Finnish European, 1.2%; 106 homozygotes.

Submissions (19):

CeGaT Center for Human Genetics Tuebingen
Classification: Benign. Last evaluated: 2026-07-01. Review status: criteria provided, single submitter. Criteria: CeGaT Center For Human Genetics Tuebingen Variant Classification Criteria Version 2. Collection method: clinical testing. Allele origin: germline. Affected: yes. Observed: 20 variant alleles.
Comment: NEB: BP4, BS1, BS2

Labcorp Genetics (formerly Invitae), Labcorp
Classification: Benign for Nemaline myopathy 2. Last evaluated: 2026-02-02. Review status: criteria provided, single submitter. Criteria: Invitae Variant Classification Sherloc (09022015). Collection method: clinical testing. Allele origin: germline.

Genomic Medicine Center of Excellence, King Faisal Specialist Hospital and Research Centre
Classification: Likely benign. Last evaluated: 2025-08-18. Review status: criteria provided, single submitter. Criteria: ACMG Guidelines, 2015. Collection method: clinical testing. Allele origin: germline.

Genome-Nilou Lab
Classification: Benign for Nemaline myopathy 2. Last evaluated: 2021-05-18. Review status: criteria provided, single submitter. Criteria: ACMG Guidelines, 2015. Collection method: clinical testing. Allele origin: germline. Affected: no.

Mayo Clinic Laboratories, Mayo Clinic
Classification: Benign. Last evaluated: 2018-08-27. Review status: criteria provided, single submitter. Criteria: ACMG Guidelines, 2015. Collection method: clinical testing. Allele origin: germline. Observed: 13 variant alleles.

Illumina Laboratory Services, Illumina
Classification: Likely benign for Nemaline myopathy 2. Last evaluated: 2018-01-13. Review status: criteria provided, single submitter. Criteria: ICSL Variant Classification Criteria 13 December 2019. Collection method: clinical testing. Allele origin: germline.
Comment: This variant was observed in the ICSL laboratory as part of a predisposition screen in an ostensibly healthy population. It had not been previously curated by ICSL or reported in the Human Gene Mutation Database (HGMD: prior to June 1st, 2018), and was therefore a candidate for classification through an automated scoring system. Utilizing variant allele frequency, disease prevalence and penetrance estimates, and inheritance mode, an automated score was calculated to assess if this variant is too frequent to cause the disease. Based on the score and internal cut-off values, a variant classified as likely benign is not then subjected to further curation. The score for this variant resulted in a classification of likely benign for this disease.

Genetic Services Laboratory, University of Chicago
Classification: Benign. Last evaluated: 2017-06-16. Review status: criteria provided, single submitter. Criteria: ACMG Guidelines, 2015. Collection method: clinical testing. Allele origin: germline. Affected: no.

Athena Diagnostics
Classification: Likely benign. Last evaluated: 2016-10-20. Review status: criteria provided, single submitter. Criteria: Athena Diagnostics Criteria. Collection method: clinical testing. Allele origin: germline.

GeneDx
Classification: Benign. Last evaluated: 2016-04-18. Review status: criteria provided, single submitter. Criteria: GeneDx Variant Classification (06012015). Collection method: clinical testing. Allele origin: germline. Affected: yes.
Comment: This variant is considered likely benign or benign based on one or more of the following criteria: it is a conservative change, it occurs at a poorly conserved position in the protein, it is predicted to be benign by multiple in silico algorithms, and/or has population frequency not consistent with disease.

Breakthrough Genomics
Classification: Likely benign. Review status: criteria provided, single submitter. Criteria: ACMG Guidelines, 2015. Collection method: not provided. Allele origin: germline. Inheritance: Autosomal recessive inheritance. Affected: yes.

PreventionGenetics, part of Exact Sciences
Classification: Benign. Review status: criteria provided, single submitter. Criteria: ACMG Guidelines, 2015. Collection method: clinical testing. Allele origin: germline.

Natera, Inc.
Classification: Benign for Nemaline myopathy type 2. Last evaluated: 2019-11-11. Review status: no assertion criteria provided. Collection method: clinical testing. Allele origin: germline. Not counted in ClinVar's aggregate classification.

Dr. Peter K. Rogan Lab, Western University
No classification provided (evidence only). Condition: Melanoma. Review status: no classification provided. Collection method: in vitro. Allele origin: not applicable. Functional consequence: retained intron. Not counted in ClinVar's aggregate classification.

Dr. Peter K. Rogan Lab, Western University
No classification provided (evidence only). Condition: Colon adenocarcinoma. Review status: no classification provided. Collection method: in vitro. Allele origin: not applicable. Functional consequence: retained intron. Not counted in ClinVar's aggregate classification.

Dr. Peter K. Rogan Lab, Western University
No classification provided (evidence only). Condition: Thyroid cancer, nonmedullary, 1. Review status: no classification provided. Collection method: in vitro. Allele origin: not applicable. Functional consequence: retained intron. Not counted in ClinVar's aggregate classification.

Dr. Peter K. Rogan Lab, Western University
No classification provided (evidence only). Condition: Cervical cancer. Review status: no classification provided. Collection method: in vitro. Allele origin: not applicable. Functional consequence: retained intron. Not counted in ClinVar's aggregate classification.

Dr. Peter K. Rogan Lab, Western University
No classification provided (evidence only). Condition: Hepatocellular carcinoma. Review status: no classification provided. Collection method: in vitro. Allele origin: not applicable. Functional consequence: retained intron. Not counted in ClinVar's aggregate classification.

Dr. Peter K. Rogan Lab, Western University
No classification provided (evidence only). Condition: Ovarian serous cystadenocarcinoma. Review status: no classification provided. Collection method: in vitro. Allele origin: not applicable. Functional consequence: retained intron. Not counted in ClinVar's aggregate classification.

Dr. Peter K. Rogan Lab, Western University
No classification provided (evidence only). Condition: Uterine carcinosarcoma. Review status: no classification provided. Collection method: in vitro. Allele origin: not applicable. Functional consequence: retained intron. Not counted in ClinVar's aggregate classification.

Literature cited by the submitters: PubMed 25203624 (cited by Athena Diagnostics).

NM_001164508.2(NEB):c.21044C>G (p.Ser7015Cys)

Gene: NEB (nebulin; minus strand). Cytogenetic location: 2q23.3.
Variant type: single nucleotide variant.
Coding change: c.21044C>G on transcript NM_001164508.2 (MANE Select); coding-DNA position 21044, C replaced by G.
Protein change: p.Ser7015Cys; replaces serine 7015 with cysteine.
Molecular consequence: missense variant.
Genome position (GRCh38, 1-based): chr2:151,537,930, G>C on the plus strand (C>G on the coding strand, the complement: NEB is on the minus strand). VCF-style: chr2-151537930-G-C. GRCh37 (hg19) VCF-style: chr2-152394444-G-C.
Other names: c.21044C>G, p.Ser7015Cys (NM_001164507.2, NM_001271208.2); c.15941C>G, p.Ser5314Cys (NM_004543.5); short protein forms S7015C, S5314C.
Identifiers: ClinVar variation 129724 (VCV000129724.59), dbSNP rs62167164, ClinGen allele CA153935.